The following is an entry in ClinVar:

ClinVar aggregate classification (germline): Uncertain significance. Review status: criteria provided, multiple submitters, no conflicts (2 of 4 stars). 3 submissions from 3 submitters: Uncertain significance (2). 1 of the submissions does not count toward it. Last evaluated 2024-03-25.

Conditions:
HEMOGLOBIN G (NORFOLK).

Allele frequency attached by ClinVar (database versions not stated): gnomAD exomes 0.00001.
gnomAD v4.1: 11 of 1,550,296 alleles (0.00071%); highest among the groups gnomAD compares: Non-Finnish European, 0.00096%; no homozygotes.

Submissions (3):

ARUP Laboratories, Molecular Genetics and Genomics, ARUP Laboratories
Classification: Uncertain significance. Last evaluated: 2024-03-25. Review status: criteria provided, single submitter. Criteria: ARUP Molecular Germline Variant Investigation Process 2024. Collection method: clinical testing. Allele origin: germline.
Comment: The Hb G-Norfolk variant (HBA1: c.256G>A; p.Asp86Asn, also known as Asp85Asn when numbered from the mature protein, rs33915947, HbVar ID:129), is reported in the heterozygous state in individuals with no abnormal hematological features (see HbVar and references therein). This variant is also reported in ClinVar (Variation ID: 15731) and is absent from the Genome Aggregation Database, indicating it is not a common polymorphism. This variant was identified in combination with beta0 thalassemia in two related individuals with microcytosis and hypochromia, but their interaction and pathogenicity are unclear (Kimura 2015). Functional characterization of the variant protein indicates a higher oxygen affinity, but otherwise similar to normal hemoglobin (Cohen-Solal 1975). The aspartic acid at codon 86 is moderately conserved, and computational analyses are uncertain whether this variant is neutral or deleterious (REVEL: 0.693). Due to limited information, the clinical significance of this variant is uncertain at this time. References: Link to HbVar database: Cohen-Solal M et al. Haemoglobin G Norfolk alpha 85 (F6) Asp leads to Asn. Structural characterization by sequenator analysis and functional properties of a new variant with high oxygen affinity. FEBS Lett. 1975 Feb 1;50(2):163-7. PMID: 234399. Kimura EM et al. Investigating alpha-globin structural variants: a retrospective review of 135,000 Brazilian individuals. Rev Bras Hematol Hemoter. 2015 Mar-Apr;37(2):103-8. PMID: 25818820.

Quest Diagnostics Nichols Institute San Juan Capistrano
Classification: Uncertain significance. Last evaluated: 2021-03-31. Review status: criteria provided, single submitter. Criteria: Quest Diagnostics criteria. Collection method: clinical testing. Allele origin: unknown.

OMIM
Classification: other for HEMOGLOBIN G (NORFOLK). Last evaluated: 2016-07-20. Review status: no assertion criteria provided. Collection method: literature only. Allele origin: germline. Not counted in ClinVar's aggregate classification.

Literature cited by the submitters: PubMed 32597250 (cited by Quest Diagnostics Nichols Institute San Juan Capistrano); PubMed 26635043 (cited by Quest Diagnostics Nichols Institute San Juan Capistrano); PubMed 25818820 (cited by Quest Diagnostics Nichols Institute San Juan Capistrano); PubMed 21266019 (cited by Quest Diagnostics Nichols Institute San Juan Capistrano); PubMed 13955802 (cited by Quest Diagnostics Nichols Institute San Juan Capistrano); PubMed 17617079 (cited by Quest Diagnostics Nichols Institute San Juan Capistrano); PubMed 70728 (cited by Quest Diagnostics Nichols Institute San Juan Capistrano); PubMed 7852082 (cited by Quest Diagnostics Nichols Institute San Juan Capistrano); PubMed 4611311 (cited by Quest Diagnostics Nichols Institute San Juan Capistrano); PubMed 1115797 (cited by Quest Diagnostics Nichols Institute San Juan Capistrano and OMIM); PubMed 234399 (cited by Quest Diagnostics Nichols Institute San Juan Capistrano and OMIM).

NM_000558.3(HBA1):c.256G>A (p.Asp86Asn)

Genes: HBA1 (hemoglobin subunit alpha 1; plus strand), LOC106804613 (hemoglobin subunit alpha 1 recombination region; plus strand). Cytogenetic location: 16p13.3.
Variant type: single nucleotide variant.
Coding change: c.256G>A on transcript NM_000558.3; coding-DNA position 256, G replaced by A.
Protein change: p.Asp86Asn; replaces aspartic acid 86 with asparagine.
Molecular consequence: missense variant (on NM_000558.5).
Genome position (GRCh38, 1-based): chr16:177,089, G>A. VCF-style: chr16-177089-G-A. GRCh37 (hg19) VCF-style: chr16-227088-G-A.
Other names: D85N; c.256G>A, p.Asp86Asn (NM_000558.5); short protein forms D86N.
Identifiers: ClinVar variation 15731 (VCV000015731.4), dbSNP rs33915947, ClinGen allele CA125733.